The following is an entry in ClinVar:

ClinVar aggregate classification (germline): Uncertain significance. Review status: criteria provided, multiple submitters, no conflicts (2 of 4 stars). 3 submissions from 3 submitters: Uncertain significance (3). Last evaluated 2023-02-13.

Conditions:
Propionic acidemia (PROP). Also called: GLYCINEMIA, KETOTIC; HYPERGLYCINEMIA WITH KETOACIDOSIS AND LEUKOPENIA; KETOTIC HYPERGLYCINEMIA. Identifiers: Orphanet 35, MedGen C0268579, MONDO:0011628, OMIM 606054, HP:0003571.
Inborn genetic diseases. Identifiers: MedGen C0950123, MeSH D030342.

Allele frequency attached by ClinVar (database versions not stated): gnomAD 0.00022; 1000 Genomes Project 30x 0.00031.
gnomAD v4.1: 310 of 1,614,046 alleles (0.019%); highest among the groups gnomAD compares: Admixed American, 0.028%; no homozygotes.

Submissions (3):

Women's Health and Genetics/Laboratory Corporation of America, LabCorp
Classification: Uncertain significance. Last evaluated: 2023-02-13. Review status: criteria provided, single submitter. Criteria: LabCorp Variant Classification Summary - May 2015. Collection method: clinical testing. Allele origin: germline.
Comment: Variant summary: PCCB c.1219G>A (p.Gly407Ser) results in a non-conservative amino acid change located in the Acetyl-coenzyme A carboxyltransferase, C-terminal domain (IPR011763) of the encoded protein sequence. Five of five in-silico tools predict a damaging effect of the variant on protein function. The variant allele was found at a frequency of 2e-05 in 251024 control chromosomes (gnomAD). The available data on variant occurrences in the general population are insufficient to allow any conclusion about variant significance. To our knowledge, no occurrence of c.1219G>A in individuals affected with Propionic Acidemia and no experimental evidence demonstrating its impact on protein function have been reported. Two clinical diagnostic laboratories have submitted clinical-significance assessments for this variant to ClinVar after 2014 and classified the variant as uncertain significance. Based on the evidence outlined above, the variant was classified as uncertain significance.

Ambry Genetics
Classification: Uncertain significance for Inborn genetic diseases. Last evaluated: 2022-11-17. Review status: criteria provided, single submitter. Criteria: Ambry Variant Classification Scheme 2023. Collection method: clinical testing. Allele origin: germline.

Labcorp Genetics (formerly Invitae), Labcorp
Classification: Uncertain significance for Propionic acidemia. Last evaluated: 2022-06-23. Review status: criteria provided, single submitter. Criteria: Invitae Variant Classification Sherloc (09022015). Collection method: clinical testing. Allele origin: germline.
Comment: This sequence change replaces glycine, which is neutral and non-polar, with serine, which is neutral and polar, at codon 407 of the PCCB protein (p.Gly407Ser). This variant is present in population databases (rs767041820, gnomAD 0.008%). This variant has not been reported in the literature in individuals affected with PCCB-related conditions. Advanced modeling of protein sequence and biophysical properties (such as structural, functional, and spatial information, amino acid conservation, physicochemical variation, residue mobility, and thermodynamic stability) performed at Invitae indicates that this missense variant is expected to disrupt PCCB protein function. In summary, the available evidence is currently insufficient to determine the role of this variant in disease. Therefore, it has been classified as a Variant of Uncertain Significance.

NM_000532.5(PCCB):c.1219G>A (p.Gly407Ser)

Gene: PCCB (propionyl-CoA carboxylase subunit beta; plus strand). Cytogenetic location: 3q22.3.
Variant type: single nucleotide variant.
Coding change: c.1219G>A on transcript NM_000532.5 (MANE Select); coding-DNA position 1219, G replaced by A.
Protein change: p.Gly407Ser; replaces glycine 407 with serine.
Molecular consequence: missense variant.
Genome position (GRCh38, 1-based): chr3:136,327,175, G>A. VCF-style: chr3-136327175-G-A. GRCh37 (hg19) VCF-style: chr3-136046017-G-A.
Other names: c.1279G>A, p.Gly427Ser (NM_001178014.2); short protein forms G427S, G407S.
Identifiers: ClinVar variation 1954965 (VCV001954965.4), dbSNP rs767041820, ClinGen allele CA2632100.